The following is an entry in ClinVar:

NM_000283.4(PDE6B):c.1257+2T>C

Gene: PDE6B (phosphodiesterase 6B; plus strand). Cytogenetic location: 4p16.3.
Variant type: single nucleotide variant.
Coding change: c.1257+2T>C on transcript NM_000283.4 (MANE Select); the canonical splice donor site of the intron after coding-DNA position 1257, T replaced by C.
Molecular consequence: splice donor variant.
Genome position (GRCh38, 1-based): chr4:657,025, T>C. VCF-style: chr4-657025-T-C. GRCh37 (hg19) VCF-style: chr4-650814-T-C.
Other names: c.1257+2T>C (NM_001145291.2, NM_001440547.1, NM_001440548.1); c.420+2T>C (NM_001379246.1, NM_001379247.1, NM_001145292.2 and 1 more transcripts); c.102+2T>C (NM_001350155.3).
Identifiers: ClinVar variation 4809185 (VCV004809185.1).

ClinVar aggregate classification (germline): Likely pathogenic (1 of 4 stars; one submission).

Submission:

Labcorp Genetics (formerly Invitae), Labcorp
Classification: Likely pathogenic. Last evaluated: 2025-04-28. Review status: criteria provided, single submitter. Criteria: Invitae Variant Classification Sherloc (09022015). Collection method: clinical testing. Allele origin: germline.
Comment: This sequence change affects a donor splice site in intron 9 of the PDE6B gene. It is expected to disrupt RNA splicing. Variants that disrupt the donor or acceptor splice site typically lead to a loss of protein function (PMID: 16199547), and loss-of-function variants in PDE6B are known to be pathogenic (PMID: 8394174, 8595886, 22334370). This variant is not present in population databases (gnomAD no frequency). This variant has not been reported in the literature in individuals affected with PDE6B-related conditions. Algorithms developed to predict the effect of sequence changes on RNA splicing suggest that this variant may disrupt the consensus splice site. In summary, the currently available evidence indicates that the variant is pathogenic, but additional data are needed to prove that conclusively. Therefore, this variant has been classified as Likely Pathogenic.

Literature cited by the submitters: PubMed 16199547; PubMed 8394174; PubMed 8595886; PubMed 22334370.